The following is an entry in ClinVar:

ClinVar aggregate classification (germline): Conflicting classifications of pathogenicity. Review status: criteria provided, conflicting classifications (1 of 4 stars). 4 submissions from 4 submitters: Uncertain significance (3); Likely benign (1). Last evaluated 2025-09-16.

Conditions:
Hereditary cancer-predisposing syndrome. Also called: Tumor predisposition; Hereditary neoplastic syndrome; Neoplastic Syndromes, Hereditary; Hereditary Cancer Syndrome. Identifiers: Orphanet 140162, MedGen C0027672, MeSH D009386, MONDO:0015356.
Multiple endocrine neoplasia, type 2 (MEN2). Identifiers: Orphanet 653, MedGen C4048306, MONDO:0019003. Disease mechanism: gain of function.
Multiple endocrine neoplasia type 2A. Also called: MULTIPLE ENDOCRINE NEOPLASIA, TYPE IIA; PTC SYNDROME; SIPPLE SYNDROME; MEN 2A; MEN-2A syndrome; Pheochromocytoma and amyloid producing medullary thyroid carcinoma. Identifiers: Orphanet 247698, Orphanet 653, MedGen C0025268, MeSH D018813, MONDO:0008234, OMIM 171400.

Allele frequency attached by ClinVar (database versions not stated): gnomAD exomes below 0.00001 and 0.00001; gnomAD 0.00001; ExAC 0.00002; 1000 Genomes Project 30x 0.00016; 1000 Genomes Project 0.00020.
gnomAD v4.1: 3 of 1,613,072 alleles (0.00019%); highest among the groups gnomAD compares: East Asian, 0.0067%; no homozygotes.

Submissions (4):

Labcorp Genetics (formerly Invitae), Labcorp
Classification: Uncertain significance for Multiple endocrine neoplasia, type 2. Last evaluated: 2025-09-16. Review status: criteria provided, single submitter. Criteria: Invitae Variant Classification Sherloc (09022015). Collection method: clinical testing. Allele origin: germline.
Comment: This sequence change replaces tyrosine, which is neutral and polar, with histidine, which is basic and polar, at codon 606 of the RET protein (p.Tyr606His). This variant is present in population databases (rs199921511, gnomAD 0.006%). This missense change has been observed in individual(s) with breast cancer (PMID: 32091409). ClinVar contains an entry for this variant (Variation ID: 1360325). An algorithm developed to predict the effect of missense changes on protein structure and function outputs the following: PolyPhen-2: "Benign". The histidine amino acid residue is found in multiple mammalian species, which suggests that this missense change does not adversely affect protein function. In summary, the available evidence is currently insufficient to determine the role of this variant in disease. Therefore, it has been classified as a Variant of Uncertain Significance.

Myriad Genetics, Inc.
Classification: Likely benign for Multiple endocrine neoplasia type 2A. Last evaluated: 2025-02-26. Review status: criteria provided, single submitter. Criteria: Myriad Autosomal Dominant, Autosomal Recessive and X-Linked Classification Criteria (2023). Collection method: clinical testing. Allele origin: unknown.
Comment: This variant is considered likely benign. This variant has been observed at a population frequency that is significantly greater than expected given the associated disease prevalence and penetrance.

Quest Diagnostics Nichols Institute San Juan Capistrano
Classification: Uncertain significance. Last evaluated: 2024-10-23. Review status: criteria provided, single submitter. Criteria: Quest Diagnostics criteria. Collection method: clinical testing. Allele origin: unknown.
Comment: This test has identified one copy of the c.1816T>C (p.Tyr606His) variant in the RET gene. To the best of our knowledge, this variant has not been reported in individual with RET-related conditions in the published literature. The frequency of this variant in the general population, 0.0000081 (2/247824 chromosomes (Genome Aggregation Database)), is uninformative in the assessment of its pathogenicity. ClinVar contains an entry for this variant (URL:, Variation ID: 1360325). Analysis of this variant using bioinformatics tools (i.e., MutationTaster and PolyPhen-2) for the prediction of the effect of amino acid changes on protein structure and function yielded predictions that this variant is benign. Please note that these prediction tools are not fully validated, and therefore, should be viewed with caution. Based on the available information, we are unable to determine the clinical significance of this variant.

Ambry Genetics
Classification: Uncertain significance for Hereditary cancer-predisposing syndrome. Last evaluated: 2024-02-06. Review status: criteria provided, single submitter. Criteria: Ambry Variant Classification Scheme 2023. Collection method: clinical testing. Allele origin: germline.
Comment: The p.Y606H variant (also known as c.1816T>C), located in coding exon 10 of the RET gene, results from a T to C substitution at nucleotide position 1816. The tyrosine at codon 606 is replaced by histidine, an amino acid with similar properties. This amino acid position is not well conserved in available vertebrate species. In addition, the in silico prediction for this alteration is inconclusive. Based on the available evidence, the clinical significance of this alteration remains unclear.

Literature cited by the submitters: PubMed 32091409 (cited by Labcorp Genetics (formerly Invitae), Labcorp and Quest Diagnostics Nichols Institute San Juan Capistrano).

NM_020975.6(RET):c.1816T>C (p.Tyr606His)

Gene: RET (ret proto-oncogene; plus strand). Cytogenetic location: 10q11.21.
Variant type: single nucleotide variant.
Coding change: c.1816T>C on transcript NM_020975.6 (MANE Select); coding-DNA position 1816, T replaced by C.
Protein change: p.Tyr606His; replaces tyrosine 606 with histidine.
Molecular consequence: missense variant.
Genome position (GRCh38, 1-based): chr10:43,113,612, T>C. VCF-style: chr10-43113612-T-C. GRCh37 (hg19) VCF-style: chr10-43609060-T-C.
Other names: c.1090T>C, p.Tyr364His (NM_001406778.1, NM_001406775.1, NM_001406776.1 and 1 more transcripts); c.919T>C, p.Tyr307His (NM_001406779.1, NM_001406780.1, NM_001406781.1 and 2 more transcripts); c.790T>C, p.Tyr264His (NM_001406783.1, NM_001406786.1); c.826T>C, p.Tyr276His (NM_001406784.1); c.631T>C, p.Tyr211His (NM_001406788.1, NM_001406789.1, NM_001406790.1); c.367T>C, p.Tyr123His (NM_001406794.1, NM_001406792.1, NM_001406793.1); c.1816T>C, p.Tyr606His (NM_020629.2, NM_020630.7, NM_000323.2 and 6 more transcripts); c.1054T>C, p.Tyr352His (NM_001355216.2); and 5 more; short protein forms Y352H, Y606H, Y123H, Y307H, Y460H, Y211H, Y264H, Y431H.
Identifiers: ClinVar variation 1360325 (VCV001360325.12), dbSNP rs199921511, ClinGen allele CA035744.